The following is an entry in ClinVar:

NM_000521.4(HEXB):c.1023_1026del (p.Ser341fs)

Gene: HEXB (hexosaminidase subunit beta; plus strand). Cytogenetic location: 5q13.3.
Variant type: Deletion.
Coding change: c.1023_1026del on transcript NM_000521.4 (MANE Select); coding-DNA positions 1023 to 1026, 4 bases deleted (TGAG; older notation c.1023_1026delTGAG).
Protein change: p.Ser341fs; shifts the reading frame from serine 341.
Molecular consequence: frameshift variant.
Genome position (GRCh38, 1-based): chr5:74,715,631-74,715,634, TGAG deleted; deleting any 4 consecutive bases within chr5:74,715,629-74,715,634 gives the same sequence; the c. name uses the placement nearest the transcript's 3' end. VCF-style (leftmost placement, unchanged base first): chr5-74715628-TAGTG-T. GRCh37 (hg19) VCF-style: chr5-74011453-TAGTG-T.
Other names: c.1023_1026del (NM_000521.3); c.1023_1026delTGAG (NM_000521.4); c.348_351del, p.Ser116fs (NM_001292004.2); short protein forms S116fs, S341fs.
Identifiers: ClinVar variation 280975 (VCV000280975.22), dbSNP rs776476415, ClinGen allele CA3305998.

ClinVar aggregate classification (germline): Pathogenic/Likely pathogenic. Review status: criteria provided, multiple submitters, no conflicts (2 of 4 stars). 7 submissions from 7 submitters: Pathogenic (5); Likely pathogenic (1). 1 of the submissions does not count toward it. Last evaluated 2026-07-23.

Conditions:
Sandhoff disease. Also called: GM2-GANGLIOSIDOSIS, TYPE II; HEXOSAMINIDASES A AND B DEFICIENCY; Beta-hexosaminidase-beta-subunit deficiency; GM2 gangliosidosis, type 2; Total hexosaminidase deficiency; Sandhoff-Jatzkewitz-Pilz disease. Identifiers: Orphanet 796, MedGen C0036161, MONDO:0010006, OMIM 268800.

Submissions (7):

GeneDx
Classification: Pathogenic. Last evaluated: 2026-07-23. Review status: criteria provided, single submitter. Criteria: GeneDx Variant Classification Process June 2021. Collection method: clinical testing. Allele origin: germline.
Comment: Frameshift variant predicted to result in protein truncation or nonsense mediated decay in a gene for which loss of function is a known mechanism of disease; Has not been previously published as pathogenic or benign to our knowledge

Natera, Inc.
Classification: Likely pathogenic for Sandhoff disease. Last evaluated: 2025-12-02. Review status: criteria provided, single submitter. Criteria: Natera Variant Classification Schema (03/2026). Collection method: clinical testing. Allele origin: germline.
Comment: The c.1023_1026delTGAG variant in HEXB is a frameshift variant predicted to shift the reading frame beginning at codon 341 and leads to a stop codon 30 codons downstream. This variant is expected to result in nonsense mediated decay, truncation, or a dysfunctional protein product. This variant is rare in the general population with a frequency below the threshold expected for the associated phenotype(s). Given the available evidence, this variant is classified as Likely Pathogenic.

Labcorp Genetics (formerly Invitae), Labcorp
Classification: Pathogenic for Sandhoff disease. Last evaluated: 2024-11-28. Review status: criteria provided, single submitter. Criteria: Invitae Variant Classification Sherloc (09022015). Collection method: clinical testing. Allele origin: germline.
Comment: This sequence change creates a premature translational stop signal (p.Ser341Argfs*30) in the HEXB gene. It is expected to result in an absent or disrupted protein product. Loss-of-function variants in HEXB are known to be pathogenic (PMID: 7550345, 18758829). This variant is present in population databases (rs776476415, gnomAD 0.04%). This variant has not been reported in the literature in individuals affected with HEXB-related conditions. ClinVar contains an entry for this variant (Variation ID: 280975). For these reasons, this variant has been classified as Pathogenic.

Women's Health and Genetics/Laboratory Corporation of America, LabCorp
Classification: Pathogenic for Sandhoff disease. Last evaluated: 2024-08-08. Review status: criteria provided, single submitter. Criteria: LabCorp Variant Classification Summary - May 2015. Collection method: clinical testing. Allele origin: germline.
Comment: Variant summary: HEXB c.1023_1026delTGAG (p.Ser341ArgfsX30) results in a premature termination codon, predicted to cause a truncation of the encoded protein or absence of the protein due to nonsense mediated decay, which are commonly known mechanisms for disease. The variant allele was found at a frequency of 5.2e-05 in 251288 control chromosomes, predominantly at a frequency of 0.00038 within the Latino subpopulation in the gnomAD database. This frequency is not significantly higher than estimated for a pathogenic variant in HEXB causing Sandhoff Disease (5.2e-05 vs 0.0015), allowing no conclusion about variant significance. To our knowledge, no occurrence of c.1023_1026delTGAG in individuals affected with Sandhoff Disease and no experimental evidence demonstrating its impact on protein function have been reported. ClinVar contains an entry for this variant (Variation ID: 280975). Based on the evidence outlined above, the variant was classified as pathogenic.

Fulgent Genetics
Classification: Pathogenic for Sandhoff disease. Last evaluated: 2024-02-05. Review status: criteria provided, single submitter. Criteria: ACMG Guidelines, 2015. Collection method: clinical testing. Allele origin: germline.

Eurofins Ntd Llc (ga)
Classification: Pathogenic. Last evaluated: 2016-07-05. Review status: criteria provided, single submitter. Criteria: EGL Classification Definitions 2015. Collection method: clinical testing. Allele origin: germline. Observed: 3 variant alleles, 2 heterozygotes, 1 homozygote.

Counsyl
Classification: Likely pathogenic for Sandhoff disease. Last evaluated: 2017-07-12. Review status: no assertion criteria provided. Collection method: clinical testing. Allele origin: unknown. Not counted in ClinVar's aggregate classification.

Literature cited by the submitters: PubMed 7550345 (cited by Labcorp Genetics (formerly Invitae), Labcorp); PubMed 18758829 (cited by Labcorp Genetics (formerly Invitae), Labcorp).